The following is an entry in ClinVar:

ClinVar aggregate classification (germline): Conflicting classifications of pathogenicity. Review status: criteria provided, conflicting classifications (1 of 4 stars). 3 submissions from 3 submitters: Uncertain significance (1); Likely benign (2). Last evaluated 2025-04-09.

Allele frequency attached by ClinVar (database versions not stated): gnomAD 0.00001; TOPMed 0.00002; ExAC 0.00003; gnomAD exomes 0.00006.
gnomAD v4.1: 84 of 1,612,878 alleles (0.0052%); highest among the groups gnomAD compares: Non-Finnish European, 0.007%; no homozygotes.

Submissions (3):

Molecular Diagnostic Laboratory for Inherited Cardiovascular Disease, Montreal Heart Institute
Classification: Likely benign. Last evaluated: 2025-04-09. Review status: criteria provided, single submitter. Criteria: ACMG Guidelines, 2015. Collection method: clinical testing. Allele origin: germline. Affected: no.

Women's Health and Genetics/Laboratory Corporation of America, LabCorp
Classification: Uncertain significance. Last evaluated: 2025-01-29. Review status: criteria provided, single submitter. Criteria: LabCorp Variant Classification Summary - May 2015. Collection method: clinical testing. Allele origin: germline.
Comment: Variant summary: TTN c.10360+3397G>C is located at a position not widely known to affect splicing. This variant corresponds to c.11311+3397G>C in NM_001267550, and to c.12673G>C (p.Asp4225His) in NM_133379. Consensus agreement among computation tools predict no significant impact on normal splicing. However, these predictions have yet to be confirmed by functional studies. The variant allele was found at a frequency of 5.2e-05 in 1605894 control chromosomes in the gnomAD database (v4.1 dataset). This frequency is not significantly higher than the maximum estimated for a pathogenic variant in TTN causing causing Dilated Cardiomyopathy (0.00039), allowing no conclusion about variant significance. To our knowledge, no occurrence of c.10360+3397G>C in individuals affected with Dilated Cardiomyopathy and no experimental evidence demonstrating its impact on protein function have been reported. ClinVar contains an entry for this variant (Variation ID: 2691299). Based on the evidence outlined above, the variant was classified as uncertain significance.

Blueprint Genetics
Classification: Likely benign. Last evaluated: 2023-10-25. Review status: criteria provided, single submitter. Criteria: ACMG Guidelines, 2015. Collection method: clinical testing. Allele origin: germline.

NM_001267550.2(TTN):c.11311+3397G>C

Gene: TTN (titin; minus strand). Cytogenetic location: 2q31.2.
Variant type: single nucleotide variant.
Coding change: c.11311+3397G>C on transcript NM_001267550.2 (MANE Select); 3397 bases into the intron after coding-DNA position 11311, G replaced by C.
Molecular consequence: intron variant. On other transcripts: missense variant (1).
Genome position (GRCh38, 1-based): chr2:178,749,727, C>G on the plus strand (G>C on the coding strand, the complement: TTN is on the minus strand). VCF-style: chr2-178749727-C-G. GRCh37 (hg19) VCF-style: chr2-179614454-C-G.
Other names: c.12673G>C, p.Asp4225His (NM_133379.5); c.10222+3397G>C (NM_003319.4); c.10798+3397G>C (NM_133437.4); c.10597+3397G>C (NM_133432.3); c.10360+3397G>C (NM_133378.4, NM_001256850.1); short protein forms D4225H.
Identifiers: ClinVar variation 2691299 (VCV002691299.6), dbSNP rs747202772, ClinGen allele CA2003523.